The following is an entry in ClinVar:

ClinVar aggregate classification (germline): Uncertain significance (1 of 4 stars; one submission).

Conditions:
Lowe syndrome (OCRL). Also called: LOWE OCULOCEREBRORENAL SYNDROME; PHOSPHATIDYLINOSITOL 4,5-BISPHOSPHATE 5-PHOSPHATASE DEFICIENCY; Oculocerebrorenal Syndrome. Identifiers: Orphanet 534, MedGen C0028860, MONDO:0010645, OMIM 309000.

gnomAD v4.1: 7 of 1,161,688 alleles (0.0006%); highest among the groups gnomAD compares: African/African-American, 0.0018%; no homozygotes.

Submission:

Labcorp Genetics (formerly Invitae), Labcorp
Classification: Uncertain significance for Lowe syndrome. Last evaluated: 2024-05-02. Review status: criteria provided, single submitter. Criteria: Invitae Variant Classification Sherloc (09022015). Collection method: clinical testing. Allele origin: germline.
Comment: This sequence change replaces arginine, which is basic and polar, with tryptophan, which is neutral and slightly polar, at codon 485 of the OCRL protein (p.Arg485Trp). This variant is not present in population databases (gnomAD no frequency). This variant has not been reported in the literature in individuals affected with OCRL-related conditions. Advanced modeling of protein sequence and biophysical properties (such as structural, functional, and spatial information, amino acid conservation, physicochemical variation, residue mobility, and thermodynamic stability) has been performed at Invitae for this missense variant, however the output from this modeling did not meet the statistical confidence thresholds required to predict the impact of this variant on OCRL protein function. In summary, the available evidence is currently insufficient to determine the role of this variant in disease. Therefore, it has been classified as a Variant of Uncertain Significance.

NM_000276.4(OCRL):c.1453C>T (p.Arg485Trp)

Gene: OCRL (OCRL inositol polyphosphate-5-phosphatase; plus strand). Cytogenetic location: Xq26.1.
Variant type: single nucleotide variant.
Coding change: c.1453C>T on transcript NM_000276.4 (MANE Select); coding-DNA position 1453, C replaced by T.
Protein change: p.Arg485Trp; replaces arginine 485 with tryptophan.
Molecular consequence: missense variant.
Genome position (GRCh38, 1-based): chrX:129,567,350, C>T. VCF-style: chrX-129567350-C-T. GRCh37 (hg19) VCF-style: chrX-128701327-C-T.
Other names: c.1456C>T, p.Arg486Trp (NM_001318784.2); c.1453C>T, p.Arg485Trp (NM_001587.4); short protein forms R485W, R486W.
Identifiers: ClinVar variation 3716468 (VCV003716468.2).